The following is an entry in ClinVar:

NM_001211.6(BUB1B):c.1357C>A (p.Leu453Ile)

Gene: BUB1B (BUB1 mitotic checkpoint serine/threonine kinase B; plus strand). Cytogenetic location: 15q15.1.
Variant type: single nucleotide variant.
Coding change: c.1357C>A on transcript NM_001211.6 (MANE Select); coding-DNA position 1357, C replaced by A.
Protein change: p.Leu453Ile; replaces leucine 453 with isoleucine.
Molecular consequence: missense variant.
Genome position (GRCh38, 1-based): chr15:40,199,683, C>A. VCF-style: chr15-40199683-C-A. GRCh37 (hg19) VCF-style: chr15-40491884-C-A.
Other names: short protein forms L453I.
Identifiers: ClinVar variation 1770724 (VCV001770724.2), dbSNP rs768077240, ClinGen allele CA391688976.

ClinVar aggregate classification (germline): Uncertain significance (1 of 4 stars; one submission).

Conditions:
Inborn genetic diseases. Identifiers: MedGen C0950123, MeSH D030342.

Submission:

Ambry Genetics
Classification: Uncertain significance for Inborn genetic diseases. Last evaluated: 2021-12-11. Review status: criteria provided, single submitter. Criteria: Ambry Variant Classification Scheme 2023. Collection method: clinical testing. Allele origin: germline.
Comment: The p.L453I variant (also known as c.1357C>A), located in coding exon 10 of the BUB1B gene, results from a C to A substitution at nucleotide position 1357. The leucine at codon 453 is replaced by isoleucine, an amino acid with highly similar properties. This amino acid position is conserved. In addition, this alteration is predicted to be tolerated by in silico analysis. Since supporting evidence is limited at this time, the clinical significance of this alteration remains unclear.